The following is an entry in ClinVar:

ClinVar aggregate classification (germline): Uncertain significance. Review status: criteria provided, multiple submitters, no conflicts (2 of 4 stars). 4 submissions from 4 submitters: Uncertain significance (4). Last evaluated 2025-01-14.

Conditions:
Hereditary cancer-predisposing syndrome. Also called: Hereditary neoplastic syndrome; Hereditary Cancer Syndrome; Tumor predisposition; Neoplastic Syndromes, Hereditary. Identifiers: Orphanet 140162, MedGen C0027672, MeSH D009386, MONDO:0015356.
Hereditary pheochromocytoma and paraganglioma. Also called: Hereditary pheochromocytoma-paraganglioma; Hereditary Paraganglioma-Pheochromocytoma Syndromes; Hereditary paragangliomas and pheochromocytomas. Identifiers: Orphanet 29072, MedGen C4274332, MONDO:0017366.

Allele frequency attached by ClinVar (database versions not stated): gnomAD exomes below 0.00001.
gnomAD v4.1: 2 of 1,614,144 alleles (0.00012%); highest among the groups gnomAD compares: Admixed American, 0.0017%; no homozygotes.

Submissions (4):

Ambry Genetics
Classification: Uncertain significance for Hereditary cancer-predisposing syndrome. Last evaluated: 2025-01-14. Review status: criteria provided, single submitter. Criteria: Ambry Variant Classification Scheme 2023. Collection method: clinical testing. Allele origin: germline.
Comment: The p.E150K variant (also known as c.448G>A), located in coding exon 4 of the SDHAF2 gene, results from a G to A substitution at nucleotide position 448. The glutamic acid at codon 150 is replaced by lysine, an amino acid with similar properties. This amino acid position is conserved. In addition, this alteration is predicted to be deleterious by in silico analysis. Based on the available evidence, the clinical significance of this variant remains unclear.

All of Us Research Program, National Institutes of Health
Classification: Uncertain significance for Hereditary pheochromocytoma and paraganglioma. Last evaluated: 2023-12-13. Review status: criteria provided, single submitter. Criteria: ACMG Guidelines, 2015. Collection method: clinical testing. Allele origin: germline. Inheritance: Autosomal dominant inheritance. Observed: 1 variant allele, 1 heterozygote.
Comment: This missense variant replaces glutamic acid with lysine at codon 150 of the SDHAF2 protein. Computational prediction is inconclusive regarding the impact of this variant on protein structure and function (internally defined REVEL score threshold 0.5 < inconclusive < 0.7, PMID: 27666373). To our knowledge, functional studies have not been reported for this variant. This variant has not been reported in individuals affected with SDHAF2-related disorders in the literature. This variant has been identified in 1/251470 chromosomes in the general population by the Genome Aggregation Database (gnomAD). The available evidence is insufficient to determine the role of this variant in disease conclusively. Therefore, this variant is classified as a Variant of Uncertain Significance.

This study involves interpretation of variants in research participants for the purpose of population health screening. Participant phenotype was not available at the time of variant classification. Additional details can be found in publication PMID: 35346344, PMCID: PMC8962531

Color Diagnostics, LLC DBA Color Health
Classification: Uncertain significance for Hereditary pheochromocytoma and paraganglioma. Last evaluated: 2023-11-08. Review status: criteria provided, single submitter. Criteria: ACMG Guidelines, 2015. Collection method: clinical testing. Allele origin: germline.
Comment: This missense variant replaces glutamic acid with lysine at codon 150 of the SDHAF2 protein. Computational prediction is inconclusive regarding the impact of this variant on protein structure and function. To our knowledge, functional studies have not been reported for this variant. This variant has not been reported in individuals affected with SDHAF2-related disorders in the literature. This variant has been identified in 1/251470 chromosomes in the general population by the Genome Aggregation Database (gnomAD). The available evidence is insufficient to determine the role of this variant in disease conclusively. Therefore, this variant is classified as a Variant of Uncertain Significance.

Labcorp Genetics (formerly Invitae), Labcorp
Classification: Uncertain significance for Hereditary pheochromocytoma and paraganglioma. Last evaluated: 2022-02-24. Review status: criteria provided, single submitter. Criteria: Invitae Variant Classification Sherloc (09022015). Collection method: clinical testing. Allele origin: germline.
Comment: This sequence change replaces glutamic acid, which is acidic and polar, with lysine, which is basic and polar, at codon 150 of the SDHAF2 protein (p.Glu150Lys). This variant is present in population databases (no rsID available, gnomAD 0.003%). This variant has not been reported in the literature in individuals affected with SDHAF2-related conditions. ClinVar contains an entry for this variant (Variation ID: 1017284). Algorithms developed to predict the effect of missense changes on protein structure and function are either unavailable or do not agree on the potential impact of this missense change (SIFT: "Tolerated"; PolyPhen-2: "Probably Damaging"; Align-GVGD: "Class C0"). In summary, the available evidence is currently insufficient to determine the role of this variant in disease. Therefore, it has been classified as a Variant of Uncertain Significance.

NM_017841.4(SDHAF2):c.448G>A (p.Glu150Lys)

Gene: SDHAF2 (succinate dehydrogenase complex assembly factor 2; plus strand). Cytogenetic location: 11q12.2.
Variant type: single nucleotide variant.
Coding change: c.448G>A on transcript NM_017841.4 (MANE Select); coding-DNA position 448, G replaced by A.
Protein change: p.Glu150Lys; replaces glutamic acid 150 with lysine.
Molecular consequence: missense variant.
Genome position (GRCh38, 1-based): chr11:61,446,018, G>A. VCF-style: chr11-61446018-G-A. GRCh37 (hg19) VCF-style: chr11-61213490-G-A.
Other names: c.448G>A (NM_017841.2); short protein forms E150K.
Identifiers: ClinVar variation 1017284 (VCV001017284.10), dbSNP rs1300630237, ClinGen allele CA380685419.